The following is an entry in ClinVar:

NM_000141.5(FGFR2):c.1949A>T (p.Asp650Val)

Gene: FGFR2 (fibroblast growth factor receptor 2; minus strand). Cytogenetic location: 10q26.13.
Variant type: single nucleotide variant.
Coding change: c.1949A>T on transcript NM_000141.5 (MANE Select); coding-DNA position 1949, A replaced by T.
Protein change: p.Asp650Val; replaces aspartic acid 650 with valine.
Molecular consequence: missense variant. On other transcripts: non-coding transcript variant (1).
Genome position (GRCh38, 1-based): chr10:121,488,028, T>A on the plus strand (A>T on the coding strand, the complement: FGFR2 is on the minus strand). VCF-style: chr10-121488028-T-A. GRCh37 (hg19) VCF-style: chr10-123247542-T-A.
Other names: c.1952A>T, p.Asp651Val (NM_001144913.1, NM_022970.4); c.1613A>T, p.Asp538Val (NM_001144914.1); c.1682A>T, p.Asp561Val (NM_001144915.2, NM_023029.3); c.1604A>T, p.Asp535Val (NM_001144916.2, NM_001441090.1); c.1601A>T, p.Asp534Val (NM_001144917.2); c.1598A>T, p.Asp533Val (NM_001144918.2, NM_001441091.1); c.1685A>T, p.Asp562Val (NM_001144919.2); c.1265A>T, p.Asp422Val (NM_001320654.2); and 4 more; short protein forms D560V, D561V, D649V, D422V, D533V, D535V, D559V, D534V.
Identifiers: ClinVar variation 4745386 (VCV004745386.1).

ClinVar aggregate classification (germline): Uncertain significance (1 of 4 stars; one submission).

Conditions:
FGFR2-related craniosynostosis. Identifiers: MedGen CN231480.

Submission:

Labcorp Genetics (formerly Invitae), Labcorp
Classification: Uncertain significance for FGFR2-related craniosynostosis. Last evaluated: 2026-01-02. Review status: criteria provided, single submitter. Criteria: Invitae Variant Classification Sherloc (09022015). Collection method: clinical testing. Allele origin: germline.
Comment: This sequence change replaces aspartic acid, which is acidic and polar, with valine, which is neutral and non-polar, at codon 650 of the FGFR2 protein (p.Asp650Val). This variant is not present in population databases (gnomAD no frequency). This variant has not been reported in the literature in individuals affected with FGFR2-related conditions. Invitae Evidence Modeling of protein sequence and biophysical properties (such as structural, functional, and spatial information, amino acid conservation, physicochemical variation, residue mobility, and thermodynamic stability) has been performed for this missense variant. However, the output from this modeling did not meet the statistical confidence thresholds required to predict the impact of this variant on FGFR2 protein function. Experimental studies have shown that this missense change affects FGFR2 function (PMID: 28166054). In summary, the available evidence is currently insufficient to determine the role of this variant in disease. Therefore, it has been classified as a Variant of Uncertain Significance.

Literature cited by the submitters: PubMed 28166054.